The following is an entry in ClinVar:

NM_001170700.3(DTHD1):c.1139T>C (p.Met380Thr)

Gene: DTHD1 (death domain containing 1; plus strand). Cytogenetic location: 4p14.
Variant type: single nucleotide variant.
Coding change: c.1139T>C on transcript NM_001170700.3 (MANE Select); coding-DNA position 1139, T replaced by C.
Protein change: p.Met380Thr; replaces methionine 380 with threonine.
Molecular consequence: missense variant. On other transcripts: non-coding transcript variant (2).
Genome position (GRCh38, 1-based): chr4:36,290,624, T>C. VCF-style: chr4-36290624-T-C. GRCh37 (hg19) VCF-style: chr4-36292246-T-C.
Other names: c.269T>C, p.Met90Thr (NM_001136536.5, NM_001378435.1); c.764T>C (NM_001170700.1); short protein forms M380T, M90T.
Identifiers: ClinVar variation 1011879 (VCV001011879.10), dbSNP rs757624730, ClinGen allele CA2885612.
Genomic context (GRCh38, chr4:36,290,624, plus strand): 5'-TTCCAATAGGCATTGCAATTCCATTTACTGCACGTTACAGAGGAAATTACAGAGATATCA[T>C]GGTGAAAGTGTGTGACATAAACCTTCAATCAAGTTACCTAAACCCAAATTCACTAGAAGG-3'
Protein context (NP_001164171.2, residues 370-390): ARYRGNYRDI[Met380Thr]VKVCDINLQS

ClinVar aggregate classification (germline): Uncertain significance. Review status: criteria provided, multiple submitters, no conflicts (2 of 4 stars). 2 submissions from 2 submitters: Uncertain significance (2). Last evaluated 2025-08-21.

Allele frequency attached by ClinVar (database versions not stated): gnomAD 0.00001 and 0.00002; TOPMed 0.00001; gnomAD exomes 0.00002 and 0.00006; ExAC 0.00014.

Submissions (2):

Labcorp Genetics (formerly Invitae), Labcorp
Classification: Uncertain significance. Last evaluated: 2025-08-21. Review status: criteria provided, single submitter. Criteria: Invitae Variant Classification Sherloc (09022015). Collection method: clinical testing. Allele origin: germline.
Comment: This sequence change replaces methionine, which is neutral and non-polar, with threonine, which is neutral and polar, at codon 90 of the DTHD1 protein (p.Met90Thr). This variant is present in population databases (rs757624730, gnomAD 0.04%). This variant has not been reported in the literature in individuals affected with DTHD1-related conditions. ClinVar contains an entry for this variant (Variation ID: 1011879). An algorithm developed to predict the effect of missense changes on protein structure and function (PolyPhen-2) suggests that this variant is likely to be disruptive. In summary, the available evidence is currently insufficient to determine the role of this variant in disease. Therefore, it has been classified as a Variant of Uncertain Significance.

Ambry Genetics
Classification: Uncertain significance. Last evaluated: 2023-04-19. Review status: criteria provided, single submitter. Criteria: Ambry Variant Classification Scheme 2023. Collection method: clinical testing. Allele origin: germline.